The following is an entry in ClinVar:

ClinVar aggregate classification (germline): Likely benign (0 of 4 stars; one submission).

Conditions:
PDZD2-related disorder. Also called: PDZD2-related condition.

Allele frequency attached by ClinVar (database versions not stated): gnomAD exomes 0.00011; ExAC 0.00015; gnomAD 0.00041; TOPMed 0.00042; ESP Exome Variant Server 0.00046.
gnomAD v4.1: 229 of 1,613,468 alleles (0.014%); highest among the groups gnomAD compares: Middle Eastern, 0.25%; no homozygotes.

Submission:

PreventionGenetics, part of Exact Sciences
Classification: Likely benign for PDZD2-related condition. Last evaluated: 2019-04-15. Review status: no assertion criteria provided. Collection method: clinical testing. Allele origin: germline.
Comment: This variant is classified as likely benign based on ACMG/AMP sequence variant interpretation guidelines (Richards et al. 2015 PMID: 25741868, with internal and published modifications).

NM_178140.4(PDZD2):c.2070C>T (p.Ser690=)

Gene: PDZD2 (PDZ domain containing 2; plus strand). Cytogenetic location: 5p13.3.
Variant type: single nucleotide variant.
Coding change: c.2070C>T on transcript NM_178140.4 (MANE Select); coding-DNA position 2070, C replaced by T.
Protein change: p.Ser690=; no amino-acid change (serine 690 retained).
Molecular consequence: synonymous variant.
Genome position (GRCh38, 1-based): chr5:32,057,973, C>T. VCF-style: chr5-32057973-C-T. GRCh37 (hg19) VCF-style: chr5-32058079-C-T.
Identifiers: ClinVar variation 3050005 (VCV003050005.2), dbSNP rs142467401, ClinGen allele CA3219060.